The following is an entry in ClinVar:

ClinVar aggregate classification (germline): Uncertain significance (1 of 4 stars; one submission).

Conditions:
Cardiovascular phenotype. Identifiers: MedGen CN230736.

Allele frequency attached by ClinVar (database versions not stated): gnomAD exomes below 0.00001; gnomAD 0.00001; TOPMed 0.00001.
gnomAD v4.1: 7 of 1,613,728 alleles (0.00043%); highest among the groups gnomAD compares: Non-Finnish European, 0.00051%; no homozygotes.

Submission:

Ambry Genetics
Classification: Uncertain significance for Cardiovascular phenotype. Last evaluated: 2023-12-01. Review status: criteria provided, single submitter. Criteria: Ambry Variant Classification Scheme 2023. Collection method: clinical testing. Allele origin: germline.
Comment: The p.E1820Q variant (also known as c.5458G>C), located in coding exon 22 of the AKAP9 gene, results from a G to C substitution at nucleotide position 5458. The glutamic acid at codon 1820 is replaced by glutamine, an amino acid with highly similar properties. This amino acid position is conserved. In addition, this alteration is predicted to be tolerated by in silico analysis. Since supporting evidence is limited at this time, the clinical significance of this alteration remains unclear.

NM_005751.5(AKAP9):c.5458G>C (p.Glu1820Gln)

Gene: AKAP9 (A-kinase anchoring protein 9; plus strand). Cytogenetic location: 7q21.2.
Variant type: single nucleotide variant.
Coding change: c.5458G>C on transcript NM_005751.5 (MANE Select); coding-DNA position 5458, G replaced by C.
Protein change: p.Glu1820Gln; replaces glutamic acid 1820 with glutamine.
Molecular consequence: missense variant.
Genome position (GRCh38, 1-based): chr7:92,052,815, G>C. VCF-style: chr7-92052815-G-C. GRCh37 (hg19) VCF-style: chr7-91682129-G-C.
Other names: c.5458G>C, p.Glu1820Gln (NM_147185.3); short protein forms E1820Q.
Identifiers: ClinVar variation 3225069 (VCV003225069.1), dbSNP rs1418213201, ClinGen allele CA368131116.